The following is an entry in ClinVar:

NM_004100.5(EYA4):c.874G>A (p.Ala292Thr)

Gene: EYA4 (EYA transcriptional coactivator and phosphatase 4; plus strand). Cytogenetic location: 6q23.2.
Variant type: single nucleotide variant.
Coding change: c.874G>A on transcript NM_004100.5 (MANE Select); coding-DNA position 874, G replaced by A.
Protein change: p.Ala292Thr; replaces alanine 292 with threonine.
Molecular consequence: missense variant.
Genome position (GRCh38, 1-based): chr6:133,468,635, G>A. VCF-style: chr6-133468635-G-A. GRCh37 (hg19) VCF-style: chr6-133789773-G-A.
Other names: c.712G>A, p.Ala238Thr (NM_001301012.2, NM_001370459.1); c.874G>A, p.Ala292Thr (NM_001301013.2, NM_172105.4); c.805G>A, p.Ala269Thr (NM_001370458.1, NM_172103.4); short protein forms A269T, A292T, A238T.
Identifiers: ClinVar variation 647374 (VCV000647374.10), dbSNP rs1195889018, ClinGen allele CA365703577.
Genomic context (GRCh38, chr6:133,468,635, plus strand): 5'-TCCTATACAGCCTTTGGCCAAAACCAGTATGCACAGTATTATTCAGCATCAACGTATGGA[G>A]CGTATATGACATCGAATAACACAGCCGATGGCACACCCTCTTCAACCTCTACTTATCAGT-3'
Protein context (NP_004091.3, residues 282-302): AQYYSASTYG[Ala292Thr]YMTSNNTADG

ClinVar aggregate classification (germline): Uncertain significance. Review status: criteria provided, multiple submitters, no conflicts (2 of 4 stars). 2 submissions from 2 submitters: Uncertain significance (2). Last evaluated 2025-04-28.

Conditions:
Cardiovascular phenotype. Identifiers: MedGen CN230736.
Dilated cardiomyopathy 1J (CMD1J). Also called: CARDIOMYOPATHY, DILATED, WITH SENSORINEURAL HEARING LOSS, AUTOSOMAL DOMINANT. Identifiers: Orphanet 217622, MedGen C1854368, MONDO:0011541, OMIM 605362.

Allele frequency attached by ClinVar (database versions not stated): gnomAD exomes below 0.00001.
gnomAD v4.1: 2 of 1,612,674 alleles (0.00012%); highest among the groups gnomAD compares: Non-Finnish European, 0.00017%; no homozygotes.

Submissions (2):

Labcorp Genetics (formerly Invitae), Labcorp
Classification: Uncertain significance for Dilated cardiomyopathy 1J. Last evaluated: 2025-04-28. Review status: criteria provided, single submitter. Criteria: Invitae Variant Classification Sherloc (09022015). Collection method: clinical testing. Allele origin: germline.
Comment: This sequence change replaces alanine, which is neutral and non-polar, with threonine, which is neutral and polar, at codon 292 of the EYA4 protein (p.Ala292Thr). This variant is present in population databases (no rsID available, gnomAD 0.0009%). This variant has not been reported in the literature in individuals affected with EYA4-related conditions. ClinVar contains an entry for this variant (Variation ID: 647374). An algorithm developed to predict the effect of missense changes on protein structure and function (PolyPhen-2) suggests that this variant is likely to be tolerated. In summary, the available evidence is currently insufficient to determine the role of this variant in disease. Therefore, it has been classified as a Variant of Uncertain Significance.

Ambry Genetics
Classification: Uncertain significance for Cardiovascular phenotype. Last evaluated: 2021-10-11. Review status: criteria provided, single submitter. Criteria: Ambry Variant Classification Scheme 2023. Collection method: clinical testing. Allele origin: germline.
Comment: The p.A292T variant (also known as c.874G>A), located in coding exon 10 of the EYA4 gene, results from a G to A substitution at nucleotide position 874. The alanine at codon 292 is replaced by threonine, an amino acid with similar properties. This amino acid position is conserved. In addition, this alteration is predicted to be tolerated by in silico analysis. Since supporting evidence is limited at this time, the clinical significance of this alteration remains unclear.